The following is an entry in ClinVar:

NM_002796.3(PSMB4):c.631C>T (p.Arg211Cys)

Gene: PSMB4 (proteasome 20S subunit beta 4; plus strand). Cytogenetic location: 1q21.3.
Variant type: single nucleotide variant.
Coding change: c.631C>T on transcript NM_002796.3 (MANE Select); coding-DNA position 631, C replaced by T.
Protein change: p.Arg211Cys; replaces arginine 211 with cysteine.
Molecular consequence: missense variant.
Genome position (GRCh38, 1-based): chr1:151,401,293, C>T. VCF-style: chr1-151401293-C-T. GRCh37 (hg19) VCF-style: chr1-151373769-C-T.
Other names: c.631C>T (NM_002796.2); short protein forms R211C.
Identifiers: ClinVar variation 1451079 (VCV001451079.8), dbSNP rs746429584, ClinGen allele CA1090731.

ClinVar aggregate classification (germline): Uncertain significance. Review status: criteria provided, multiple submitters, no conflicts (2 of 4 stars). 2 submissions from 2 submitters: Uncertain significance (2). Last evaluated 2025-12-16.

Allele frequency attached by ClinVar (database versions not stated): ExAC 0.00004; gnomAD exomes 0.00008.

Submissions (2):

Ambry Genetics
Classification: Uncertain significance. Last evaluated: 2025-12-16. Review status: criteria provided, single submitter. Criteria: Ambry Variant Classification Scheme 2023. Collection method: clinical testing. Allele origin: germline.

Labcorp Genetics (formerly Invitae), Labcorp
Classification: Uncertain significance. Last evaluated: 2025-10-13. Review status: criteria provided, single submitter. Criteria: Invitae Variant Classification Sherloc (09022015). Collection method: clinical testing. Allele origin: germline.
Comment: This sequence change replaces arginine, which is basic and polar, with cysteine, which is neutral and slightly polar, at codon 211 of the PSMB4 protein (p.Arg211Cys). This variant is present in population databases (rs746429584, gnomAD 0.05%). This variant has not been reported in the literature in individuals affected with PSMB4-related conditions. ClinVar contains an entry for this variant (Variation ID: 1451079). An algorithm developed to predict the effect of missense changes on protein structure and function (PolyPhen-2) suggests that this variant is likely to be tolerated. In summary, the available evidence is currently insufficient to determine the role of this variant in disease. Therefore, it has been classified as a Variant of Uncertain Significance.